The following is an entry in ClinVar:

NM_001457.4(FLNB):c.1887C>G (p.Asp629Glu)

Gene: FLNB (filamin B; plus strand). Cytogenetic location: 3p14.3.
Variant type: single nucleotide variant.
Coding change: c.1887C>G on transcript NM_001457.4 (MANE Select); coding-DNA position 1887, C replaced by G.
Protein change: p.Asp629Glu; replaces aspartic acid 629 with glutamic acid.
Molecular consequence: missense variant.
Genome position (GRCh38, 1-based): chr3:58,106,819, C>G. VCF-style: chr3-58106819-C-G. GRCh37 (hg19) VCF-style: chr3-58092546-C-G.
Other names: c.1887C>G (NM_001457.3); c.1887C>G, p.Asp629Glu (NM_001164317.2, NM_001164318.2, NM_001164319.2); short protein forms D629E.
Identifiers: ClinVar variation 1356262 (VCV001356262.11), dbSNP rs377324244, ClinGen allele CA2467951.

ClinVar aggregate classification (germline): Conflicting classifications of pathogenicity. Review status: criteria provided, conflicting classifications (1 of 4 stars). 4 submissions from 4 submitters: Uncertain significance (3); Likely benign (1). Last evaluated 2025-10-29.

Conditions:
Atelosteogenesis type I. Also called: Atelosteogenesis Type 1 (FLNB-AO1); GIANT CELL CHONDRODYSPLASIA; SPONDYLOHUMEROFEMORAL HYPOPLASIA. Identifiers: Orphanet 1190, MedGen C0265283, MONDO:0007167, OMIM 108720.
Boomerang dysplasia. Identifiers: Orphanet 1263, MedGen C0432201, MONDO:0007208, OMIM 112310.
Atelosteogenesis type III. Also called: Atelosteogenesis Type 3 (FLNB-AO3). Identifiers: Orphanet 56305, MedGen C3668942, MONDO:0007168, OMIM 108721.
Larsen syndrome (LRS). Also called: Bilateral dislocation of the knees, pes cavus, cylindrically shaped fingers and characteristic facies; Larsen syndrome (FLNB-LS). Identifiers: Orphanet 503, MedGen C0175778, MONDO:0007875, OMIM 150250. Disease mechanism: loss of function.
Spondylocarpotarsal synostosis syndrome (SCT). Also called: Spondylocarpotarsal Synostosis Syndrome (FLNB-SCT); SPONDYLOCARPOTARSAL SYNDROME; VERTEBRAL FUSION WITH CARPAL COALITION; Synspondylism congenital; Scoliosis, congenital with unilateral unsegmented bar. Identifiers: Orphanet 3275, MedGen C1848934, MONDO:0010094, OMIM 272460.
Inborn genetic diseases. Identifiers: MedGen C0950123, MeSH D030342.

Allele frequency attached by ClinVar (database versions not stated): ESP Exome Variant Server 0.00008.
gnomAD v4.1: 143 of 1,613,992 alleles (0.0089%); highest among the groups gnomAD compares: South Asian, 0.022%; no homozygotes.

Submissions (4):

Labcorp Genetics (formerly Invitae), Labcorp
Classification: Likely benign. Last evaluated: 2025-10-29. Review status: criteria provided, single submitter. Criteria: Invitae Variant Classification Sherloc (09022015). Collection method: clinical testing. Allele origin: germline.

Ambry Genetics
Classification: Uncertain significance for Inborn genetic diseases. Last evaluated: 2025-08-19. Review status: criteria provided, single submitter. Criteria: Ambry Variant Classification Scheme 2023. Collection method: clinical testing. Allele origin: germline.

GeneDx
Classification: Uncertain significance. Last evaluated: 2024-05-07. Review status: criteria provided, single submitter. Criteria: GeneDx Variant Classification Process June 2021. Collection method: clinical testing. Allele origin: germline. Affected: yes.
Comment: In silico analysis indicates that this missense variant does not alter protein structure/function; Has not been previously published as pathogenic or benign to our knowledge

Department of Pathology and Laboratory Medicine, Sinai Health System
Classification: Uncertain significance for Atelosteogenesis type I; Atelosteogenesis type III; Boomerang dysplasia; Larsen syndrome; Spondylocarpotarsal synostosis syndrome. Last evaluated: 2021-11-10. Review status: criteria provided, single submitter. Criteria: ACMG Guidelines, 2015. Collection method: research. Allele origin: germline.